The following is an entry in ClinVar:

NM_001171.6(ABCC6):c.4274T>C (p.Leu1425Pro)

Gene: ABCC6 (ATP binding cassette subfamily C member 6; minus strand). Cytogenetic location: 16p13.11.
Variant type: single nucleotide variant.
Coding change: c.4274T>C on transcript NM_001171.6 (MANE Select); coding-DNA position 4274, T replaced by C.
Protein change: p.Leu1425Pro; replaces leucine 1425 with proline.
Molecular consequence: missense variant. On other transcripts: non-coding transcript variant (4).
Genome position (GRCh38, 1-based): chr16:16,150,707, A>G on the plus strand (T>C on the coding strand, the complement: ABCC6 is on the minus strand). VCF-style: chr16-16150707-A-G. GRCh37 (hg19) VCF-style: chr16-16244564-A-G.
Other names: c.3932T>C, p.Leu1311Pro (NM_001351800.1); c.4241T>C, p.Leu1414Pro (NM_001440309.1); c.4106T>C, p.Leu1369Pro (NM_001440310.1); short protein forms L1311P, L1369P, L1414P, L1425P.
Identifiers: ClinVar variation 4807404 (VCV004807404.1).

ClinVar aggregate classification (germline): Likely pathogenic (1 of 4 stars; one submission).

gnomAD v4.1: 23 of 1,613,980 alleles (0.0014%); highest among the groups gnomAD compares: Non-Finnish European, 0.0019%; no homozygotes.

Submission:

Labcorp Genetics (formerly Invitae), Labcorp
Classification: Likely pathogenic. Last evaluated: 2025-07-24. Review status: criteria provided, single submitter. Criteria: Invitae Variant Classification Sherloc (09022015). Collection method: clinical testing. Allele origin: germline.
Comment: This sequence change replaces leucine, which is neutral and non-polar, with proline, which is neutral and non-polar, at codon 1425 of the ABCC6 protein (p.Leu1425Pro). This variant is present in population databases (rs150230403, gnomAD 0.005%). This missense change has been observed in individual(s) with pseudoxanthoma elasticum (PMID: 34906475; internal data). Invitae Evidence Modeling of protein sequence and biophysical properties (such as structural, functional, and spatial information, amino acid conservation, physicochemical variation, residue mobility, and thermodynamic stability) indicates that this missense variant is expected to disrupt ABCC6 protein function with a positive predictive value of 95%. In summary, the currently available evidence indicates that the variant is pathogenic, but additional data are needed to prove that conclusively. Therefore, this variant has been classified as Likely Pathogenic.

Literature cited by the submitters: PubMed 34906475.